The following is an entry in ClinVar:

ClinVar aggregate classification (germline): Uncertain significance (1 of 4 stars; one submission).

Conditions:
Hereditary cancer-predisposing syndrome. Also called: Hereditary Cancer Syndrome; Hereditary neoplastic syndrome; Neoplastic Syndromes, Hereditary; Tumor predisposition. Identifiers: Orphanet 140162, MedGen C0027672, MeSH D009386, MONDO:0015356.

Submission:

Sema4
Classification: Uncertain significance for Hereditary cancer-predisposing syndrome. Last evaluated: 2021-08-27. Review status: criteria provided, single submitter. Criteria: Sema4 Curation Guidelines. Collection method: curation. Allele origin: germline.
Comment: The NF1 c.8404A>G (p.K2802E) variant has not been reported in the literature to our knowledge. This variant is not reported in the population database Genome Aggregation Database (PMID: 32461654), nor in ClinVar. Functional studies have not been performed and in silico predictions of the variant's effect on protein function are inconclusive. The evidence is insufficient to meet ACMG/AMP criteria for classifying the variant as benign or pathogenic. Thus, the clinical significance of this variant is currently uncertain.

NM_001042492.3(NF1):c.8467A>G (p.Lys2823Glu)

Gene: NF1 (neurofibromin 1; plus strand). Cytogenetic location: 17q11.2.
Variant type: single nucleotide variant.
Coding change: c.8467A>G on transcript NM_001042492.3 (MANE Select); coding-DNA position 8467, A replaced by G.
Protein change: p.Lys2823Glu; replaces lysine 2823 with glutamic acid.
Molecular consequence: missense variant.
Genome position (GRCh38, 1-based): chr17:31,374,102, A>G. VCF-style: chr17-31374102-A-G. GRCh37 (hg19) VCF-style: chr17-29701120-A-G.
Other names: c.8404A>G, p.Lys2802Glu (NM_000267.4); short protein forms K2802E, K2823E.
Identifiers: ClinVar variation 1692358 (VCV001692358.1), dbSNP rs2151601529, ClinGen allele CA399206037.